The following is an entry in ClinVar:

ClinVar aggregate classification (germline): Likely pathogenic (1 of 4 stars; one submission).

Submission:

CeGaT Center for Human Genetics Tuebingen
Classification: Likely pathogenic. Last evaluated: 2023-08-01. Review status: criteria provided, single submitter. Criteria: CeGaT Center For Human Genetics Tuebingen Variant Classification Criteria Version 2. Collection method: clinical testing. Allele origin: germline. Affected: yes. Observed: 3 variant alleles.
Comment: MAGEL2: PVS1:Strong, PM2

NM_019066.5(MAGEL2):c.290dup (p.Met99fs)

Gene: MAGEL2 (MAGE family member L2; minus strand). Cytogenetic location: 15q11.2.
Variant type: Duplication.
Coding change: c.290dup on transcript NM_019066.5 (MANE Select); coding-DNA position 290, one base duplicated (G; older notation c.290dupG).
Protein change: p.Met99fs; shifts the reading frame from methionine 99.
Molecular consequence: frameshift variant.
Genome position (GRCh38, 1-based): chr15:23,647,453, C duplicated on the plus strand (G on the coding strand, the reverse complement: MAGEL2 is on the minus strand); the first of 6 consecutive C bases (chr15:23,647,453-23,647,458); duplicating any one gives the same sequence. VCF-style (leftmost placement, unchanged base first): chr15-23647452-G-GC. GRCh37 (hg19) VCF-style: chr15-23892599-G-GC.
Other names: short protein forms M99fs.
Identifiers: ClinVar variation 1694733 (VCV001694733.31), dbSNP rs1401986830, ClinGen allele CA2580089135.
Genomic context (GRCh38, chr15:23,647,452, plus strand): 5'-GGCTCCCGGAGGTGGAGGATGCACCATCAGGACCCCGGGAGTCGGAGGCTTACCCATCGG[G>GC]CCCCCCAGCGGGGGAGCCGGGACTATCGGGCCCCCTAGGGCAGGAGGCTGGGTCATCGGA-3'